The following is an entry in ClinVar:

NM_001379081.2(FREM1):c.3756A>T (p.Gln1252His)

Gene: FREM1 (FRAS1 related extracellular matrix 1; minus strand). Cytogenetic location: 9p22.3.
Variant type: single nucleotide variant.
Coding change: c.3756A>T on transcript NM_001379081.2 (MANE Select); coding-DNA position 3756, A replaced by T.
Protein change: p.Gln1252His; replaces glutamine 1252 with histidine.
Molecular consequence: missense variant. On other transcripts: non-coding transcript variant (2).
Genome position (GRCh38, 1-based): chr9:14,797,581, T>A on the plus strand (A>T on the coding strand, the complement: FREM1 is on the minus strand). VCF-style: chr9-14797581-T-A. GRCh37 (hg19) VCF-style: chr9-14797579-T-A.
Other names: c.3756A>T, p.Gln1252His (NM_144966.7); c.3756A>T (NM_144966.5); short protein forms Q1252H.
Identifiers: ClinVar variation 1979926 (VCV001979926.5), dbSNP rs373197206, ClinGen allele CA189370488.

ClinVar aggregate classification (germline): Uncertain significance. Review status: criteria provided, multiple submitters, no conflicts (2 of 4 stars). 2 submissions from 2 submitters: Uncertain significance (2). Last evaluated 2025-11-13.

Conditions:
Inborn genetic diseases. Identifiers: MedGen C0950123, MeSH D030342.

gnomAD v4.1: 10 of 1,612,408 alleles (0.00062%); highest among the groups gnomAD compares: African/African-American, 0.012%; no homozygotes.

Submissions (2):

Ambry Genetics
Classification: Uncertain significance for Inborn genetic diseases. Last evaluated: 2025-11-13. Review status: criteria provided, single submitter. Criteria: Ambry Variant Classification Scheme 2023. Collection method: clinical testing. Allele origin: germline.

Labcorp Genetics (formerly Invitae), Labcorp
Classification: Uncertain significance. Last evaluated: 2022-06-30. Review status: criteria provided, single submitter. Criteria: Invitae Variant Classification Sherloc (09022015). Collection method: clinical testing. Allele origin: germline.
Comment: In summary, the available evidence is currently insufficient to determine the role of this variant in disease. Therefore, it has been classified as a Variant of Uncertain Significance. Algorithms developed to predict the effect of missense changes on protein structure and function are either unavailable or do not agree on the potential impact of this missense change (SIFT: "Deleterious"; PolyPhen-2: "Probably Damaging"; Align-GVGD: "Class C0"). This variant has not been reported in the literature in individuals affected with FREM1-related conditions. This variant is not present in population databases (gnomAD no frequency). This sequence change replaces glutamine, which is neutral and polar, with histidine, which is basic and polar, at codon 1252 of the FREM1 protein (p.Gln1252His).